The following is an entry in ClinVar:

NM_012330.4(KAT6B):c.3238G>A (p.Glu1080Lys)

Gene: KAT6B (lysine acetyltransferase 6B; plus strand). Cytogenetic location: 10q22.2.
Variant type: single nucleotide variant.
Coding change: c.3238G>A on transcript NM_012330.4 (MANE Select); coding-DNA position 3238, G replaced by A.
Protein change: p.Glu1080Lys; replaces glutamic acid 1080 with lysine.
Molecular consequence: missense variant.
Genome position (GRCh38, 1-based): chr10:75,022,097, G>A. VCF-style: chr10-75022097-G-A. GRCh37 (hg19) VCF-style: chr10-76781855-G-A.
Other names: c.2689G>A, p.Glu897Lys (NM_001256468.2, NM_001370138.1); c.2362G>A, p.Glu788Lys (NM_001256469.2, NM_001370139.1, NM_001370140.1 and 2 more transcripts); c.2200G>A, p.Glu734Lys (NM_001370132.1); c.1549G>A, p.Glu517Lys (NM_001370133.1); c.1153G>A, p.Glu385Lys (NM_001370134.1); c.895G>A, p.Glu299Lys (NM_001370135.1); c.3238G>A, p.Glu1080Lys (NM_001370136.1, NM_001370137.1); c.2173G>A, p.Glu725Lys (NM_001370143.1, NM_001370144.1); short protein forms E1080K, E385K, E725K, E788K, E299K, E734K, E897K, E517K.
Identifiers: ClinVar variation 618183 (VCV000618183.8), dbSNP rs1564626220, ClinGen allele CA377284315.

ClinVar aggregate classification (germline): Likely benign (1 of 4 stars; one submission).

Allele frequency attached by ClinVar (database versions not stated): gnomAD exomes below 0.00001.
gnomAD v4.1: 1 of 1,583,428 alleles (0.000063%); highest among the groups gnomAD compares: Non-Finnish European, 0.000087%; no homozygotes.

Submission:

ARUP Laboratories, Molecular Genetics and Genomics, ARUP Laboratories
Classification: Likely benign. Last evaluated: 2018-05-15. Review status: criteria provided, single submitter. Criteria: ARUP Molecular Germline Variant Investigation Process. Collection method: clinical testing. Allele origin: germline.
Comment: The KAT6B c.3238G>A; p.Glu1080Lys variant, to our knowledge, is not reported in the medical literature or in gene-specific databases and is absent from general population databases (1000 Genomes Project, Exome Variant Server, and Genome Aggregation Database). The glutamic acid at codon 1080 is weakly conserved and computational algorithms (PolyPhen-2, SIFT) predict this variant to be tolerated. Based on available information, this variant is considered likely benign.